The following is an entry in ClinVar:

NM_018161.5(NADSYN1):c.395G>T (p.Trp132Leu)

Gene: NADSYN1 (NAD synthetase 1; plus strand). Cytogenetic location: 11q13.4.
Variant type: single nucleotide variant.
Coding change: c.395G>T on transcript NM_018161.5 (MANE Select); coding-DNA position 395, G replaced by T.
Protein change: p.Trp132Leu; replaces tryptophan 132 with leucine.
Molecular consequence: missense variant.
Genome position (GRCh38, 1-based): chr11:71,464,130, G>T. VCF-style: chr11-71464130-G-T. GRCh37 (hg19) VCF-style: chr11-71175176-G-T.
Other names: c.395G>T (NM_018161.4); short protein forms W132L.
Identifiers: ClinVar variation 869158 (VCV000869158.7), dbSNP rs189928649, ClinGen allele CA6162950.

ClinVar aggregate classification (germline): Uncertain significance. Review status: criteria provided, multiple submitters, no conflicts (2 of 4 stars). 4 submissions from 4 submitters: Uncertain significance (3). 1 of the submissions does not count toward it. Last evaluated 2025-11-13.

Conditions:
NADSYN1-related disorder. Also called: NADSYN1-related condition.
Congenital NAD deficiency disorder. Identifiers: MedGen CN241975.
Vertebral, cardiac, renal, and limb defects syndrome 3. Also called: CONGENITAL NAD DEFICIENCY DISORDER 3. Identifiers: MedGen C5394250, MONDO:0030077, OMIM 618845.

Allele frequency attached by ClinVar (database versions not stated): gnomAD 0.00016 and 0.00017; TOPMed 0.00031; ExAC 0.00035; 1000 Genomes Project 0.00040; gnomAD exomes 0.00051; 1000 Genomes Project 30x 0.00031.
gnomAD v4.1: 196 of 1,609,672 alleles (0.012%); highest among the groups gnomAD compares: Admixed American, 0.26%; 2 homozygotes.

Submissions (4):

Dasa
Classification: Uncertain significance for vertebral, cardiac, renal, and limb defects syndrome 3. Last evaluated: 2025-11-13. Review status: criteria provided, single submitter. Criteria: DASA Assertion Criteria. Collection method: clinical testing. Allele origin: germline.
Comment: NM_018161.5(NADSYN1):c.395G>T (p.Trp132Leu) is a missense variant that results in the substitution of tryptophan with leucine. This variant has been reported in individuals with NADSYN1-related disorders (PMID: 31883644). Functional evidence supports an impact on the gene or gene product (PMID: 31883644). Also, this variant is rare in population databases. Computational prediction algorithms are consistent with a deleterious effect. The currently available literature and clinical evidence are not sufficient to establish a definitive association between this variant and the reported condition. Therefore, this variant is classified as a variant of uncertain significance.

PreventionGenetics, part of Exact Sciences
Classification: Uncertain significance for NADSYN1-related condition. Last evaluated: 2025-08-30. Review status: criteria provided, single submitter. Criteria: ACMG Guidelines, 2015. Collection method: clinical testing. Allele origin: germline.
Comment: The NADSYN1 c.395G>T variant is predicted to result in the amino acid substitution p.Trp132Leu. This variant has been reported in the compound heterozygous state in an individual with NAD deficiency (Szot et al. 2020. PubMed ID: 31883644). Functional assays in this same report showed that the p.Trp132Leu substitution causes a decrease in enzymatic activity of the protein (Szot et al. 2020. PubMed ID: 31883644). This variant is reported in 0.32% of alleles in individuals of Latino descent in gnomAD. Although we suspect that this variant may be pathogenic, at this time, the clinical significance of this variant is uncertain due to the absence of conclusive functional and genetic evidence.

GeneDx
Classification: Uncertain significance. Last evaluated: 2023-12-04. Review status: criteria provided, single submitter. Criteria: GeneDx Variant Classification Process June 2021. Collection method: clinical testing. Allele origin: germline. Affected: yes.
Comment: Published functional studies demonstrate a damaging effect with reduced protein expression and activity (PMID: 31883644); Observed with a variant on the opposite allele (in trans) in a patient in published literature (PMID: 35491967); Observed with a variant on the opposite allele (in trans) in a fetus in published literature (PMID: 31883644); In silico analysis supports that this missense variant has a deleterious effect on protein structure/function; This variant is associated with the following publications: (PMID: 35491967, 31883644, 36951206, 37300479)

Embryology Laboratory, Victor Chang Cardiac Research Institute
Classification: Pathogenic for Congenital NAD Deficiency Disorder. Last evaluated: 2019-12-01. Review status: no assertion criteria provided. Collection method: research. Allele origin: inherited. Inheritance: Autosomal recessive inheritance. Affected: yes. Observed: 1 variant allele, 1 compound heterozygote. Not counted in ClinVar's aggregate classification.
Comment: This variant, c.395G>T, was found in compound heterozygosity with the pathogenic variant c.145T>C

Literature cited by the submitters: PubMed 31883644 (cited by Dasa and Embryology Laboratory, Victor Chang Cardiac Research Institute).